The following is an entry in ClinVar:

ClinVar aggregate classification (germline): Pathogenic/Likely pathogenic. Review status: criteria provided, multiple submitters, no conflicts (2 of 4 stars). 2 submissions from 2 submitters: Pathogenic (1); Likely pathogenic (1). Last evaluated 2024-04-19.

Conditions:
Woodhouse-Sakati syndrome. Also called: EXTRAPYRAMIDAL DISORDER, PROGRESSIVE, WITH PRIMARY HYPOGONADISM, MENTAL RETARDATION, AND ALOPECIA; Hypogonadism, Alopecia, Diabetes Mellitus, Mental Retardation, and Extrapyramidal Syndrome; Hypogonadism, diabetes mellitus, alopecia, mental retardation and electrocardiographic abnormalities. Identifiers: Orphanet 3464, MedGen C0342286, MONDO:0009419, OMIM 241080.

Submissions (2):

Fulgent Genetics
Classification: Likely pathogenic for Woodhouse-Sakati syndrome. Last evaluated: 2024-04-19. Review status: criteria provided, single submitter. Criteria: ACMG Guidelines, 2015. Collection method: clinical testing. Allele origin: germline.

Labcorp Genetics (formerly Invitae), Labcorp
Classification: Pathogenic for Woodhouse-Sakati syndrome. Last evaluated: 2023-06-19. Review status: criteria provided, single submitter. Criteria: Invitae Variant Classification Sherloc (09022015). Collection method: clinical testing. Allele origin: germline.
Comment: For these reasons, this variant has been classified as Pathogenic. This variant has not been reported in the literature in individuals affected with DCAF17-related conditions. This variant is not present in population databases (gnomAD no frequency). This sequence change creates a premature translational stop signal (p.Gly138Glufs*18) in the DCAF17 gene. It is expected to result in an absent or disrupted protein product. Loss-of-function variants in DCAF17 are known to be pathogenic (PMID: 19026396, 20507343).

Literature cited by the submitters: PubMed 19026396 (cited by Labcorp Genetics (formerly Invitae), Labcorp); PubMed 20507343 (cited by Labcorp Genetics (formerly Invitae), Labcorp).

NM_025000.4(DCAF17):c.413del (p.Gly138fs)

Gene: DCAF17 (DDB1 and CUL4 associated factor 17; plus strand). Cytogenetic location: 2q31.1.
Variant type: Deletion.
Coding change: c.413del on transcript NM_025000.4 (MANE Select); coding-DNA position 413, one base deleted (G; older notation c.413delG).
Protein change: p.Gly138fs; shifts the reading frame from glycine 138.
Molecular consequence: frameshift variant. On other transcripts: non-coding transcript variant (1).
Genome position (GRCh38, 1-based): chr2:171,448,772, G deleted; the last of 3 consecutive G bases (chr2:171,448,770-171,448,772); deleting any one gives the same sequence. VCF-style (leftmost placement, unchanged base first): chr2-171448769-CG-C. GRCh37 (hg19) VCF-style: chr2-172305279-CG-C.
Other names: c.413del, p.Gly138fs (NM_001164821.2); short protein forms G138fs.
Identifiers: ClinVar variation 2733750 (VCV002733750.4), dbSNP rs1410964899, ClinGen allele CA760684677.
Genomic context (GRCh38, chr2:171,448,769, plus strand): 5'-ATAAGTCCTCACTCATAGCACTGACTGCTCATAATTGGCTACTTCGTATATCAGCAACTA[CG>C]GGAAAAATCCTTGAGAAAATATATCTTGCACCTTATTGCAAATTCAGGTATTTACTGTGA-3'